The following is an entry in ClinVar:

NC_012920.1(MT-CYB):m.14870A>G

Gene: MT-CYB (mitochondrially encoded cytochrome b; plus strand).
Variant type: single nucleotide variant.
Genome position: chrM-14870-A-G.
Identifiers: ClinVar variation 693780 (VCV000693780.1), dbSNP rs1603224936, ClinGen allele CA913172320.

ClinVar aggregate classification (germline): Benign (1 of 4 stars; one submission).

Conditions:
Leigh syndrome (NULS). Also called: Leigh's necrotizing encephalopathy; Leigh's disease; Leigh's syndrome; LEIGH SYNDROME, NUCLEAR; Leigh Syndrome (mtDNA deletion); Leigh Disease. Identifiers: Orphanet 506, MedGen C2931891, MONDO:0009723, OMIM 256000.

Submission:

Wong Mito Lab, Molecular and Human Genetics, Baylor College of Medicine
Classification: Benign for Leigh syndrome. Last evaluated: 2019-10-17. Review status: criteria provided, single submitter. Criteria: Modified ACMG Guidelines (Unpublished). Collection method: clinical testing. Allele origin: germline.
Comment: The NC_012920.1:m.14870A>G (YP_003024038.1:p.Ile42Val) variant in MTCYB gene is interpretated to be a Benign variant based on the modified ACMG guidelines (unpublished). This variant meets the following evidence codes: BS1, BS2, BP4